The following is an entry in ClinVar:

ClinVar aggregate classification (germline): Uncertain significance. Review status: criteria provided, multiple submitters, no conflicts (2 of 4 stars). 2 submissions from 2 submitters: Uncertain significance (2). Last evaluated 2025-04-13.

Conditions:
Baller-Gerold syndrome (BGS). Also called: CRANIOSYNOSTOSIS WITH RADIAL DEFECTS. Identifiers: Orphanet 1225, MedGen C0265308, MONDO:0009039, OMIM 218600.
Inborn genetic diseases. Identifiers: MedGen C0950123, MeSH D030342.

Allele frequency attached by ClinVar (database versions not stated): gnomAD exomes below 0.00001; TOPMed below 0.00001; gnomAD 0.00001.

Submissions (2):

Ambry Genetics
Classification: Uncertain significance for Inborn genetic diseases. Last evaluated: 2025-04-13. Review status: criteria provided, single submitter. Criteria: Ambry Variant Classification Scheme 2023. Collection method: clinical testing. Allele origin: germline.
Comment: The p.L356F variant (also known as c.1066C>T), located in coding exon 5 of the RECQL4 gene, results from a C to T substitution at nucleotide position 1066. The leucine at codon 356 is replaced by phenylalanine, an amino acid with highly similar properties. This amino acid position is conserved. In addition, this alteration is predicted to be tolerated by in silico analysis. Based on the available evidence, the clinical significance of this variant remains unclear.

Labcorp Genetics (formerly Invitae), Labcorp
Classification: Uncertain significance for Baller-Gerold syndrome. Last evaluated: 2023-11-28. Review status: criteria provided, single submitter. Criteria: Invitae Variant Classification Sherloc (09022015). Collection method: clinical testing. Allele origin: germline.
Comment: This sequence change replaces leucine, which is neutral and non-polar, with phenylalanine, which is neutral and non-polar, at codon 356 of the RECQL4 protein (p.Leu356Phe). This variant is not present in population databases (gnomAD no frequency). This variant has not been reported in the literature in individuals affected with RECQL4-related conditions. ClinVar contains an entry for this variant (Variation ID: 962627). Advanced modeling of protein sequence and biophysical properties (such as structural, functional, and spatial information, amino acid conservation, physicochemical variation, residue mobility, and thermodynamic stability) performed at Invitae indicates that this missense variant is expected to disrupt RECQL4 protein function with a positive predictive value of 80%. In summary, the available evidence is currently insufficient to determine the role of this variant in disease. Therefore, it has been classified as a Variant of Uncertain Significance.

NM_004260.4(RECQL4):c.1066C>T (p.Leu356Phe)

Gene: RECQL4 (RecQ like helicase 4; minus strand). Cytogenetic location: 8q24.3.
Variant type: single nucleotide variant.
Coding change: c.1066C>T on transcript NM_004260.4 (MANE Select); coding-DNA position 1066, C replaced by T.
Protein change: p.Leu356Phe; replaces leucine 356 with phenylalanine.
Molecular consequence: missense variant.
Genome position (GRCh38, 1-based): chr8:144,516,053, G>A on the plus strand (C>T on the coding strand, the complement: RECQL4 is on the minus strand). VCF-style: chr8-144516053-G-A. GRCh37 (hg19) VCF-style: chr8-145741437-G-A.
Other names: short protein forms L356F.
Identifiers: ClinVar variation 962627 (VCV000962627.8), dbSNP rs1293545938, ClinGen allele CA372688193.